The following is an entry in ClinVar:

ClinVar aggregate classification (germline): Pathogenic/Likely pathogenic. Review status: criteria provided, multiple submitters, no conflicts (2 of 4 stars). 6 submissions from 6 submitters: Pathogenic (4); Likely pathogenic (2). Last evaluated 2025-12-05.

Conditions:
Mitochondrial complex II deficiency, nuclear type 1. Also called: SUCCINATE CoQ REDUCTASE DEFICIENCY. Identifiers: Orphanet 3208, MedGen C5700310, MONDO:0100294, OMIM 252011.
Pheochromocytoma/paraganglioma syndrome 5. Also called: Paragangliomas 5; SDHA-Related Hereditary Paraganglioma-Pheochromocytoma Syndrome. Identifiers: Orphanet 29072, MedGen C3279992, MONDO:0013602, OMIM 614165.
Dilated cardiomyopathy 1GG (CMD1GG). Identifiers: Orphanet 154, MedGen C3150898, MONDO:0013339, OMIM 613642.
Neurodegeneration with ataxia and late-onset optic atrophy. Identifiers: MedGen C5543254, MONDO:0031006, OMIM 619259.
Hereditary cancer-predisposing syndrome. Also called: Tumor predisposition; Hereditary neoplastic syndrome; Hereditary Cancer Syndrome; Neoplastic Syndromes, Hereditary. Identifiers: Orphanet 140162, MedGen C0027672, MeSH D009386, MONDO:0015356.

Allele frequency attached by ClinVar (database versions not stated): gnomAD 0.00001; gnomAD exomes below 0.00001; TOPMed below 0.00001; ExAC 0.00001.
gnomAD v4.1: 44 of 1,611,466 alleles (0.0027%); highest among the groups gnomAD compares: Non-Finnish European, 0.0035%; no homozygotes.

Submissions (6):

Labcorp Genetics (formerly Invitae), Labcorp
Classification: Pathogenic for Pheochromocytoma/paraganglioma syndrome 5; Mitochondrial complex II deficiency, nuclear type 1. Last evaluated: 2025-12-05. Review status: criteria provided, single submitter. Criteria: Invitae Variant Classification Sherloc (09022015). Collection method: clinical testing. Allele origin: germline.
Comment: This sequence change affects a donor splice site in intron 12 of the SDHA gene. RNA analysis indicates that disruption of this splice site induces altered splicing and may result in an absent or altered protein product. This variant is present in population databases (rs766667009, gnomAD 0.01%). Disruption of this splice site has been observed in individuals with clinical features of paraganglioma-pheochromocytoma syndromes and/or colon adenocarcinoma (PMID: 29625052; internal data). ClinVar contains an entry for this variant (Variation ID: 231173). Studies have shown that disruption of this splice site results in skipping of exon 12 and skipping of exon 12-13, and produces a non-functional protein and/or introduces a premature termination codon (internal data). For these reasons, this variant has been classified as Pathogenic.

GeneDx
Classification: Pathogenic. Last evaluated: 2025-09-28. Review status: criteria provided, single submitter. Criteria: GeneDx Variant Classification Process June 2021. Collection method: clinical testing. Allele origin: germline.
Comment: Observed in a pediatric patient with kidney cancer (PMID: 34308104); Canonical splice site variant predicted to result in a null allele in a gene for which loss of function is a known mechanism of disease; Not observed at significant frequency in large population cohorts (gnomAD); This variant is associated with the following publications: (PMID: 30877234, 23060355, 22974104, 24781757, 16199547, 22429592, 29625052, 34308104, 36451132, 37310942)

Ambry Genetics
Classification: Pathogenic for Hereditary cancer-predisposing syndrome. Last evaluated: 2025-02-12. Review status: criteria provided, single submitter. Criteria: Ambry Variant Classification Scheme 2023. Collection method: clinical testing. Allele origin: germline.
Comment: The c.1663+1G>T intronic pathogenic mutation results from a G to T substitution one nucleotide after coding exon 12 of the SDHA gene. A different alteration impacting the same donor splice site (c.1663+3G>C) has been reported in patients with succinate dehydrogenase-deficient GISTs/paragangliomas/pheochromocytomas (Dwight T et al. Am. J. Surg. Pathol. 2013 Feb; 37(2):226-33; Ben Aim L et al. J Med Genet, 2019 08;56:513-520). This nucleotide position is highly conserved in available vertebrate species. In silico splice site analysis predicts that this alteration will weaken the native splice donor site. RNA studies have demonstrated that this alteration results in abnormal splicing in the set of samples tested (Ambry internal data). In addition to the clinical data presented in the literature, alterations that disrupt the canonical splice site are expected to cause aberrant splicing, resulting in an abnormal protein or a transcript that is subject to nonsense-mediated mRNA decay. As such, this alteration is classified as a disease-causing mutation.

Baylor Genetics
Classification: Pathogenic for Dilated cardiomyopathy 1GG. Last evaluated: 2024-02-28. Review status: criteria provided, single submitter. Criteria: ACMG Guidelines, 2015. Collection method: clinical testing. Allele origin: unknown.

Fulgent Genetics
Classification: Likely pathogenic for Mitochondrial complex II deficiency, nuclear type 1; Dilated cardiomyopathy 1GG; Pheochromocytoma/paraganglioma syndrome 5; Neurodegeneration with ataxia and late-onset optic atrophy. Last evaluated: 2024-02-27. Review status: criteria provided, single submitter. Criteria: ACMG Guidelines, 2015. Collection method: clinical testing. Allele origin: germline.

Myriad Genetics, Inc.
Classification: Likely pathogenic for Pheochromocytoma/paraganglioma syndrome 5. Last evaluated: 2024-02-08. Review status: criteria provided, single submitter. Criteria: Myriad Autosomal Dominant, Autosomal Recessive and X-Linked Classification Criteria (2023). Collection method: clinical testing. Allele origin: unknown.
Comment: This variant is considered likely pathogenic. This variant occurs within a consensus splice junction and is predicted to result in abnormal mRNA splicing of either an out-of-frame exon or an in-frame exon necessary for protein stability and/or normal function.

Literature cited by the submitters: PubMed 29625052 (cited by Labcorp Genetics (formerly Invitae), Labcorp); PubMed 22429592 (cited by Ambry Genetics); PubMed 23060355 (cited by Ambry Genetics); PubMed 30877234 (cited by Ambry Genetics).

NM_004168.4(SDHA):c.1663+1G>T

Gene: SDHA (succinate dehydrogenase complex flavoprotein subunit A; plus strand). Cytogenetic location: 5p15.33.
Variant type: single nucleotide variant.
Coding change: c.1663+1G>T on transcript NM_004168.4 (MANE Select); the canonical splice donor site of the intron after coding-DNA position 1663, G replaced by T.
Molecular consequence: splice donor variant. On other transcripts: intron variant (1).
Genome position (GRCh38, 1-based): chr5:251,104, G>T. VCF-style: chr5-251104-G-T. GRCh37 (hg19) VCF-style: chr5-251219-G-T.
Other names: c.1552-3289G>T (NM_001330758.2); c.1519+1G>T (NM_001294332.2).
Identifiers: ClinVar variation 231173 (VCV000231173.20), dbSNP rs766667009, ClinGen allele CA3173314.
Genomic context (GRCh38, chr5:251,104, plus strand): 5'-GTTGTGGGAAAATCAGCAAGCTCTATGGAGACCTAAAGCACCTGAAGACGTTCGACCGGG[G>T]TGAGCAGACAGTGGGCTCTGTGCACACTGTTGGGCCCTTCCTTCTGCAGGGTGGGCTGGT-3'